The following is an entry in ClinVar:

NM_032444.4(SLX4):c.708G>A (p.Ala236=)

Gene: SLX4 (SLX4 structure-specific endonuclease subunit; minus strand). Cytogenetic location: 16p13.3.
Variant type: single nucleotide variant.
Coding change: c.708G>A on transcript NM_032444.4 (MANE Select); coding-DNA position 708, G replaced by A.
Protein change: p.Ala236=; no amino-acid change (alanine 236 retained).
Molecular consequence: synonymous variant.
Genome position (GRCh38, 1-based): chr16:3,606,526, C>T on the plus strand (G>A on the coding strand, the complement: SLX4 is on the minus strand). VCF-style: chr16-3606526-C-T. GRCh37 (hg19) VCF-style: chr16-3656527-C-T.
Other names: c.708G>A (LRG_503t1).
Identifiers: ClinVar variation 436786 (VCV000436786.23), dbSNP rs765742613, ClinGen allele CA7866779.
Genomic context (GRCh38, chr16:3,606,526, plus strand): 5'-CATCATACCATTCCCCGCCATCATCTCCTCTTGAGGATCCTTTGGGACATTTTCTTCCCG[C>T]GCAGCCTCGAGGGAGCACTCTTCTGAAGCGTGTCTCAAACGCTCGGGGTCTGCTCTCTTG-3'
Protein context (NP_115820.2, residues 226-246): HASEECSLEA[Ala236=]REENVPKDPQ

ClinVar aggregate classification (germline): Conflicting classifications of pathogenicity. Review status: criteria provided, conflicting classifications (1 of 4 stars). 3 submissions from 3 submitters: Uncertain significance (1); Likely benign (2). Last evaluated 2026-01-05.

Conditions:
Fanconi anemia (FA). Also called: Fanconi's anemia. Identifiers: Orphanet 84, MedGen C0015625, MeSH D005199, MONDO:0019391.

Allele frequency attached by ClinVar (database versions not stated): ExAC 0.00002; gnomAD 0.00003; TOPMed 0.00003.
gnomAD v4.1: 29 of 1,614,094 alleles (0.0018%); highest among the groups gnomAD compares: Non-Finnish European, 0.0023%; no homozygotes.

Submissions (3):

Labcorp Genetics (formerly Invitae), Labcorp
Classification: Likely benign for Fanconi anemia. Last evaluated: 2026-01-05. Review status: criteria provided, single submitter. Criteria: Invitae Variant Classification Sherloc (09022015). Collection method: clinical testing. Allele origin: germline.

CeGaT Center for Human Genetics Tuebingen
Classification: Likely benign. Last evaluated: 2025-08-01. Review status: criteria provided, single submitter. Criteria: CeGaT Center For Human Genetics Tuebingen Variant Classification Criteria Version 2. Collection method: clinical testing. Allele origin: germline. Affected: yes. Observed: 1 variant allele.
Comment: SLX4: BP4, BP7

Genetic Services Laboratory, University of Chicago
Classification: Uncertain significance. Last evaluated: 2015-09-29. Review status: criteria provided, single submitter. Criteria: ACMG Guidelines, 2015. Collection method: clinical testing. Allele origin: germline. Affected: no.